The following is an entry in ClinVar:

ClinVar aggregate classification (germline): Uncertain significance. Review status: criteria provided, multiple submitters, no conflicts (2 of 4 stars). 2 submissions from 2 submitters: Uncertain significance (2). Last evaluated 2024-10-19.

Conditions:
Maturity-onset diabetes of the young type 14. Also called: MODY 14. Identifiers: Orphanet 552, MedGen C4225299, MONDO:0014674, OMIM 616511.

Allele frequency attached by ClinVar (database versions not stated): ExAC 0.00004.
gnomAD v4.1: 80 of 1,613,902 alleles (0.005%); highest among the groups gnomAD compares: Non-Finnish European, 0.0066%; no homozygotes.

Submissions (2):

Labcorp Genetics (formerly Invitae), Labcorp
Classification: Uncertain significance. Last evaluated: 2024-10-19. Review status: criteria provided, single submitter. Criteria: Invitae Variant Classification Sherloc (09022015). Collection method: clinical testing. Allele origin: germline.
Comment: This sequence change replaces arginine, which is basic and polar, with glutamine, which is neutral and polar, at codon 275 of the APPL1 protein (p.Arg275Gln). This variant is present in population databases (rs748607720, gnomAD 0.007%). This variant has not been reported in the literature in individuals affected with APPL1-related conditions. Invitae Evidence Modeling of protein sequence and biophysical properties (such as structural, functional, and spatial information, amino acid conservation, physicochemical variation, residue mobility, and thermodynamic stability) indicates that this missense variant is not expected to disrupt APPL1 protein function with a negative predictive value of 80%. Algorithms developed to predict the effect of sequence changes on RNA splicing suggest that this variant may disrupt the consensus splice site. In summary, the available evidence is currently insufficient to determine the role of this variant in disease. Therefore, it has been classified as a Variant of Uncertain Significance.

ARUP Laboratories, Molecular Genetics and Genomics, ARUP Laboratories
Classification: Uncertain significance for Maturity-onset diabetes of the young type 14. Last evaluated: 2023-09-22. Review status: criteria provided, single submitter. Criteria: ARUP Molecular Germline Variant Investigation Process 2024. Collection method: clinical testing. Allele origin: germline.
Comment: The APPL1 c.824G>A; p.Arg275Gln variant (rs748607720), to our knowledge, is not reported in the medical literature or gene specific databases. This variant is found in the non-Finnish European population with an allele frequency of 0.007% (8/113732 alleles) in the Genome Aggregation Database. Computational analyses are uncertain whether this variant is neutral or deleterious (REVEL: 0.224). Due to limited information, the clinical significance of this variant is uncertain at this time.

NM_012096.3(APPL1):c.824G>A (p.Arg275Gln)

Gene: APPL1 (adaptor protein, phosphotyrosine interacting with PH domain and leucine zipper 1; plus strand). Cytogenetic location: 3p14.3.
Variant type: single nucleotide variant.
Coding change: c.824G>A on transcript NM_012096.3 (MANE Select); coding-DNA position 824, G replaced by A.
Protein change: p.Arg275Gln; replaces arginine 275 with glutamine.
Molecular consequence: missense variant.
Genome position (GRCh38, 1-based): chr3:57,248,312, G>A. VCF-style: chr3-57248312-G-A. GRCh37 (hg19) VCF-style: chr3-57282340-G-A.
Other names: short protein forms R275Q.
Identifiers: ClinVar variation 2921225 (VCV002921225.3), dbSNP rs748607720, ClinGen allele CA2463627.